The following is an entry in ClinVar:

NM_001323289.2(CDKL5):c.176G>C (p.Arg59Pro)

Gene: CDKL5 (cyclin dependent kinase like 5; plus strand). Cytogenetic location: Xp22.13.
Variant type: single nucleotide variant.
Coding change: c.176G>C on transcript NM_001323289.2 (MANE Select); coding-DNA position 176, G replaced by C.
Protein change: p.Arg59Pro; replaces arginine 59 with proline.
Molecular consequence: missense variant.
Genome position (GRCh38, 1-based): chrX:18,575,384, G>C. VCF-style: chrX-18575384-G-C. GRCh37 (hg19) VCF-style: chrX-18593504-G-C.
Other names: NM_001323289.2(CDKL5):c.176G>C; p.Arg59Pro; c.176G>C, p.Arg59Pro (NM_001037343.2, NM_003159.3); short protein forms R59P.
Identifiers: ClinVar variation 495231 (VCV000495231.1), dbSNP rs1555949009, ClinGen allele CA412348582.

ClinVar aggregate classification (germline): Likely pathogenic. Review status: criteria provided, multiple submitters, no conflicts (2 of 4 stars). 2 submissions from 2 submitters: Likely pathogenic (2). Last evaluated 2024-12-20.

Conditions:
CDKL5 disorder. Identifiers: MedGen CN296942, MONDO:0100039.
Developmental and epileptic encephalopathy, 2 (DEE2). Also called: INFANTILE SPASM SYNDROME, X-LINKED 2; CDKL5 deficiency disorder. Identifiers: Orphanet 1934, Orphanet 3451, Orphanet 505652, MedGen C4750718, MONDO:0010396, OMIM 300672.

Submissions (2):

Centre for Population Genomics, CPG
Classification: Likely pathogenic for CDKL5 disorder. Last evaluated: 2024-12-20. Review status: criteria provided, single submitter. Criteria: McKnight et al. (Hum Mutat. 2022). Collection method: curation. Allele origin: germline. Inheritance: X-linked inheritance.
Comment: This variant has been collected from RettBASE and curated to current modified ACMG/AMP criteria. Based on the classification scheme defined by the ClinGen Rett/Angelman-like Expert Panel for Rett/AS-like Disorders Specifications to the ACMG/AMP Variant Interpretation Guidelines VCEP 3.0, this variant is classified as likely pathogenic. At least the following criteria are met: This variant has been identified as a de novo occurrence in at least 2 individuals with CDKL5 disorder, without confirmation of paternity and maternity (PM6_Strong, PMID: 38874638, PMID: 31780880). Has been observed in at least 2 individuals with phenotypes consistent with CDKL5 disorder (PS4_Supporting). This variant is absent from gnomAD (PM2_Supporting).

NeuroMeGen, Hospital Clinico Santiago de Compostela
Classification: Likely pathogenic for Developmental and epileptic encephalopathy, 2. Last evaluated: 2018-01-01. Review status: criteria provided, single submitter. Criteria: ACMG Guidelines, 2015. Collection method: clinical testing. Allele origin: de novo. Affected: yes. Observed: 1 heterozygote.